The following is an entry in ClinVar:

ClinVar aggregate classification (germline): Benign. Review status: criteria provided, multiple submitters, no conflicts (2 of 4 stars). 5 submissions from 5 submitters: Benign (4). 1 of the submissions does not count toward it. Last evaluated 2026-02-04.

Conditions:
Mucopolysaccharidosis type 1. Also called: IDUA deficiency; MPS I; Mucopolysaccharidosis Type I. Identifiers: Orphanet 579, MedGen C0023786, MONDO:0001586.

Allele frequency attached by ClinVar (database versions not stated): gnomAD 0.00016 and 0.00215; TOPMed 0.00046; gnomAD exomes 0.00905; 1000 Genomes Project 0.01498; 1000 Genomes Project 30x 0.01515; ExAC 0.03699.
gnomAD v4.1: 4,751 of 1,474,276 alleles (0.32%); highest among the groups gnomAD compares: South Asian, 5.2%; 179 homozygotes.

Submissions (5):

Labcorp Genetics (formerly Invitae), Labcorp
Classification: Benign for Mucopolysaccharidosis type 1. Last evaluated: 2026-02-04. Review status: criteria provided, single submitter. Criteria: Invitae Variant Classification Sherloc (09022015). Collection method: clinical testing. Allele origin: germline.

GeneDx
Classification: Benign. Last evaluated: 2019-02-04. Review status: criteria provided, single submitter. Criteria: GeneDx Variant Classification Process June 2021. Collection method: clinical testing. Allele origin: germline. Affected: yes.

Illumina Laboratory Services, Illumina
Classification: Benign for Mucopolysaccharidosis type 1. Last evaluated: 2018-01-13. Review status: criteria provided, single submitter. Criteria: ICSL Variant Classification Criteria 13 December 2019. Collection method: clinical testing. Allele origin: germline.
Comment: This variant was observed in the ICSL laboratory as part of a predisposition screen in an ostensibly healthy population. It had not been previously curated by ICSL or reported in the Human Gene Mutation Database (HGMD: prior to June 1st, 2018), and was therefore a candidate for classification through an automated scoring system. Utilizing variant allele frequency, disease prevalence and penetrance estimates, and inheritance mode, an automated score was calculated to assess if this variant is too frequent to cause the disease. Based on the score and internal cut-off values, a variant classified as benign is not then subjected to further curation. The score for this variant resulted in a classification of benign for this disease.

PreventionGenetics, part of Exact Sciences
Classification: Benign. Review status: criteria provided, single submitter. Criteria: ACMG Guidelines, 2015. Collection method: clinical testing. Allele origin: germline.

Natera, Inc.
Classification: Benign for Mucopolysaccharidosis type I. Last evaluated: 2018-04-16. Review status: no assertion criteria provided. Collection method: clinical testing. Allele origin: germline. Not counted in ClinVar's aggregate classification.

NM_000203.5(IDUA):c.1403-14G>T

Gene: IDUA (alpha-L-iduronidase; plus strand). Cytogenetic location: 4p16.3.
Variant type: single nucleotide variant.
Coding change: c.1403-14G>T on transcript NM_000203.5 (MANE Select); 14 bases into the intron before coding-DNA position 1403, G replaced by T.
Molecular consequence: intron variant.
Genome position (GRCh38, 1-based): chr4:1,003,022, G>T. VCF-style: chr4-1003022-G-T. GRCh37 (hg19) VCF-style: chr4-996810-G-T.
Other names: c.1007-14G>T (NM_001363576.1).
Identifiers: ClinVar variation 255523 (VCV000255523.18), dbSNP rs368368416, ClinGen allele CA2802247.
Genomic context (GRCh38, chr4:1,003,022, plus strand): 5'-GGAGGTCTCTGGCCCCGCTGGGGCTCTGGAGGGGGCGGCCCGGGGAGCCGAGGCCTGAGT[G>T]TCAGGCCCCGCAGGCCTGGTCTACGTCACGCGCTACCTGGACAACGGGCTCTGCAGCCCC-3'